The following is an entry in ClinVar:

NM_000093.5(COL5A1):c.2089-9C>T

Gene: COL5A1 (collagen type V alpha 1 chain; plus strand). Cytogenetic location: 9q34.3.
Variant type: single nucleotide variant.
Coding change: c.2089-9C>T on transcript NM_000093.5 (MANE Select); 9 bases into the intron before coding-DNA position 2089, C replaced by T.
Molecular consequence: intron variant.
Genome position (GRCh38, 1-based): chr9:134,766,445, C>T. VCF-style: chr9-134766445-C-T. GRCh37 (hg19) VCF-style: chr9-137658291-C-T.
Other names: c.2089-9C>T (NM_001278074.1).
Identifiers: ClinVar variation 136864 (VCV000136864.62), dbSNP rs181246690, ClinGen allele CA290232.

ClinVar aggregate classification (germline): Benign/Likely benign. Review status: criteria provided, multiple submitters, no conflicts (2 of 4 stars). 12 submissions from 11 submitters: Benign (8); Likely benign (3). 1 of the submissions does not count toward it. Last evaluated 2026-03-27.

Conditions:
COL5A1-related disorder. Also called: COL5A1-related condition.
Ehlers-Danlos syndrome, classic type, 1 (EDSCL1). Also called: Ehlers-Danlos syndrome, type 1; Ehlers-Danlos Syndrome, Classic Type, COL5A1-Related; EDS I; EHLERS-DANLOS SYNDROME, GRAVIS TYPE; EHLERS-DANLOS SYNDROME, SEVERE CLASSIC TYPE. Identifiers: MedGen C0268335, MONDO:0019567, OMIM 130000.
Fibromuscular dysplasia, multifocal. Identifiers: MedGen C5543412, MONDO:0859151, OMIM 619329.
Ehlers-Danlos syndrome (EDS). Identifiers: Orphanet 98249, MedGen C0013720, MONDO:0020066.

Allele frequency attached by ClinVar (database versions not stated): ESP Exome Variant Server 0.00015; gnomAD exomes 0.00030 and 0.00051; 1000 Genomes Project 30x 0.00031; ExAC 0.00034; 1000 Genomes Project 0.00040; gnomAD 0.00041 and 0.00042; TOPMed 0.00059.
gnomAD v4.1: 517 of 1,614,008 alleles (0.032%); highest among the groups gnomAD compares: Middle Eastern, 0.15%; 1 homozygote.

Submissions (12):

Molecular Diagnostic Laboratory for Inherited Cardiovascular Disease, Montreal Heart Institute
Classification: Benign. Last evaluated: 2026-03-27. Review status: criteria provided, single submitter. Criteria: ACMG Guidelines, 2015. Collection method: clinical testing. Allele origin: germline. Affected: no.

CeGaT Center for Human Genetics Tuebingen
Classification: Likely benign. Last evaluated: 2026-03-01. Review status: criteria provided, single submitter. Criteria: CeGaT Center For Human Genetics Tuebingen Variant Classification Criteria Version 2. Collection method: clinical testing. Allele origin: germline. Affected: yes. Observed: 1 variant allele.
Comment: COL5A1: BS1

Labcorp Genetics (formerly Invitae), Labcorp
Classification: Benign for Ehlers-Danlos syndrome, classic type, 1. Last evaluated: 2026-02-02. Review status: criteria provided, single submitter. Criteria: Invitae Variant Classification Sherloc (09022015). Collection method: clinical testing. Allele origin: germline.

Blueprint Genetics
Classification: Likely benign. Last evaluated: 2024-11-07. Review status: criteria provided, single submitter. Criteria: ACMG Guidelines, 2015. Collection method: clinical testing. Allele origin: germline.

ARUP Laboratories, Molecular Genetics and Genomics, ARUP Laboratories
Classification: Benign. Last evaluated: 2024-09-26. Review status: criteria provided, single submitter. Criteria: ARUP Molecular Germline Variant Investigation Process 2024. Collection method: clinical testing. Allele origin: germline.

Women's Health and Genetics/Laboratory Corporation of America, LabCorp
Classification: Benign. Last evaluated: 2023-07-21. Review status: criteria provided, single submitter. Criteria: LabCorp Variant Classification Summary - May 2015. Collection method: clinical testing. Allele origin: germline.

Genome-Nilou Lab
Classification: Benign for Ehlers-Danlos syndrome, classic type, 1. Last evaluated: 2022-03-15. Review status: criteria provided, single submitter. Criteria: ACMG Guidelines, 2015. Collection method: clinical testing. Allele origin: germline. Affected: no.

Genome-Nilou Lab
Classification: Benign for Fibromuscular dysplasia, multifocal. Last evaluated: 2022-03-15. Review status: criteria provided, single submitter. Criteria: ACMG Guidelines, 2015. Collection method: clinical testing. Allele origin: germline. Affected: no.

Genome Diagnostics Laboratory, The Hospital for Sick Children
Classification: Likely benign for Ehlers-Danlos syndrome. Last evaluated: 2021-05-18. Review status: criteria provided, single submitter. Criteria: ACMG Guidelines, 2015. Collection method: clinical testing. Allele origin: germline.

GeneDx
Classification: Benign. Last evaluated: 2013-05-03. Review status: criteria provided, single submitter. Criteria: GeneDx Variant Classification (06012015). Collection method: clinical testing. Allele origin: germline. Affected: yes.
Comment: This variant is considered likely benign or benign based on one or more of the following criteria: it is a conservative change, it occurs at a poorly conserved position in the protein, it is predicted to be benign by multiple in silico algorithms, and/or has population frequency not consistent with disease.

Breakthrough Genomics
Classification: Benign. Review status: criteria provided, single submitter. Criteria: ACMG Guidelines, 2015. Collection method: not provided. Allele origin: germline. Inheritance: Autosomal dominant inheritance. Affected: yes.

PreventionGenetics, part of Exact Sciences
Classification: Likely benign for COL5A1-related condition. Last evaluated: 2024-06-19. Review status: no assertion criteria provided. Collection method: clinical testing. Allele origin: germline. Not counted in ClinVar's aggregate classification.
Comment: This variant is classified as likely benign based on ACMG/AMP sequence variant interpretation guidelines (Richards et al. 2015 PMID: 25741868, with internal and published modifications).